The following is an entry in ClinVar:

NM_020297.4(ABCC9):c.1861A>G (p.Thr621Ala)

Gene: ABCC9 (ATP binding cassette subfamily C member 9; minus strand). Cytogenetic location: 12p12.1.
Variant type: single nucleotide variant.
Coding change: c.1861A>G on transcript NM_020297.4 (MANE Select); coding-DNA position 1861, A replaced by G.
Protein change: p.Thr621Ala; replaces threonine 621 with alanine.
Molecular consequence: missense variant.
Genome position (GRCh38, 1-based): chr12:21,887,876, T>C on the plus strand (A>G on the coding strand, the complement: ABCC9 is on the minus strand). VCF-style: chr12-21887876-T-C. GRCh37 (hg19) VCF-style: chr12-22040810-T-C.
Other names: c.1861A>G, p.Thr621Ala (NM_001377273.1, NM_005691.4); c.997A>G, p.Thr333Ala (NM_001377274.1); short protein forms T333A, T621A.
Identifiers: ClinVar variation 1358545 (VCV001358545.6), dbSNP rs1466183608, ClinGen allele CA384135860.

ClinVar aggregate classification (germline): Uncertain significance (1 of 4 stars; one submission).

Conditions:
Dilated cardiomyopathy 1O (CMD1O). Also called: CARDIOMYOPATHY, DILATED, WITH VENTRICULAR TACHYCARDIA. Identifiers: Orphanet 154, MedGen C1837839, MONDO:0012062, OMIM 608569.

gnomAD v4.1: 1 of 1,613,538 alleles (0.000062%); no homozygotes.

Submission:

Labcorp Genetics (formerly Invitae), Labcorp
Classification: Uncertain significance for Dilated cardiomyopathy 1O. Last evaluated: 2022-07-16. Review status: criteria provided, single submitter. Criteria: Invitae Variant Classification Sherloc (09022015). Collection method: clinical testing. Allele origin: germline.
Comment: Algorithms developed to predict the effect of missense changes on protein structure and function output the following: SIFT: "Tolerated"; PolyPhen-2: "Benign"; Align-GVGD: "Class C0". The alanine amino acid residue is found in multiple mammalian species, which suggests that this missense change does not adversely affect protein function. In summary, the available evidence is currently insufficient to determine the role of this variant in disease. Therefore, it has been classified as a Variant of Uncertain Significance. ClinVar contains an entry for this variant (Variation ID: 1358545). This missense change has been observed in individual(s) with left ventricular noncompaction (PMID: 33500567). This variant is present in population databases (no rsID available, gnomAD 0.01%). This sequence change replaces threonine, which is neutral and polar, with alanine, which is neutral and non-polar, at codon 621 of the ABCC9 protein (p.Thr621Ala).

Literature cited by the submitters: PubMed 33500567.